The following is an entry in ClinVar:

NM_002187.3(IL12B):c.149G>A (p.Cys50Tyr)

Gene: IL12B (interleukin 12B; minus strand). Cytogenetic location: 5q33.3.
Variant type: single nucleotide variant.
Coding change: c.149G>A on transcript NM_002187.3 (MANE Select); coding-DNA position 149, G replaced by A.
Protein change: p.Cys50Tyr; replaces cysteine 50 with tyrosine.
Molecular consequence: missense variant.
Genome position (GRCh38, 1-based): chr5:159,323,269, C>T on the plus strand (G>A on the coding strand, the complement: IL12B is on the minus strand). VCF-style: chr5-159323269-C-T. GRCh37 (hg19) VCF-style: chr5-158750277-C-T.
Other names: short protein forms C50Y.
Identifiers: ClinVar variation 1007074 (VCV001007074.8), dbSNP rs1754131954, ClinGen allele CA362036738.

ClinVar aggregate classification (germline): Uncertain significance (1 of 4 stars; one submission).

Conditions:
Mendelian susceptibility to mycobacterial diseases due to complete IL12B deficiency. Also called: IL12B DEFICIENCY; Immunodeficiency 29. Identifiers: Orphanet 319558, MedGen C4013948, MONDO:0013954, OMIM 614890.

Allele frequency attached by ClinVar (database versions not stated): gnomAD exomes below 0.00001.

Submission:

Labcorp Genetics (formerly Invitae), Labcorp
Classification: Uncertain significance for Mendelian susceptibility to mycobacterial diseases due to complete IL12B deficiency. Last evaluated: 2022-05-17. Review status: criteria provided, single submitter. Criteria: Invitae Variant Classification Sherloc (09022015). Collection method: clinical testing. Allele origin: germline.
Comment: This sequence change replaces cysteine, which is neutral and slightly polar, with tyrosine, which is neutral and polar, at codon 50 of the IL12B protein (p.Cys50Tyr). This variant is not present in population databases (gnomAD no frequency). This variant has not been reported in the literature in individuals affected with IL12B-related conditions. ClinVar contains an entry for this variant (Variation ID: 1007074). Algorithms developed to predict the effect of missense changes on protein structure and function are either unavailable or do not agree on the potential impact of this missense change (SIFT: "Deleterious"; PolyPhen-2: "Probably Damaging"; Align-GVGD: "Class C15"). In summary, the available evidence is currently insufficient to determine the role of this variant in disease. Therefore, it has been classified as a Variant of Uncertain Significance.